The following is an entry in ClinVar:

ClinVar aggregate classification (germline): Uncertain significance (1 of 4 stars; one submission).

Submission:

Ambry Genetics
Classification: Uncertain significance. Last evaluated: 2024-10-21. Review status: criteria provided, single submitter. Criteria: Ambry Variant Classification Scheme 2023. Collection method: clinical testing. Allele origin: germline.
Comment: The p.L381S variant (also known as c.1142T>C), located in coding exon 11 of the SLMAP gene, results from a T to C substitution at nucleotide position 1142. The leucine at codon 381 is replaced by serine, an amino acid with dissimilar properties. This amino acid position is conserved. In addition, this alteration is predicted to be tolerated by in silico analysis. Based on the available evidence, the clinical significance of this variant remains unclear.

NM_001377540.1(SLMAP):c.1244T>C (p.Leu415Ser)

Gene: SLMAP (sarcolemma associated protein; plus strand). Cytogenetic location: 3p14.3.
Variant type: single nucleotide variant.
Coding change: c.1244T>C on transcript NM_001377540.1 (MANE Select); coding-DNA position 1244, T replaced by C.
Protein change: p.Leu415Ser; replaces leucine 415 with serine.
Molecular consequence: missense variant. On other transcripts: non-coding transcript variant (1), intron variant (9).
Genome position (GRCh38, 1-based): chr3:57,871,642, T>C. VCF-style: chr3-57871642-T-C. GRCh37 (hg19) VCF-style: chr3-57857369-T-C.
Other names: c.1193T>C, p.Leu398Ser (NM_001304420.3, NM_001377541.1, NM_001377542.1 and 2 more transcripts); c.1244T>C, p.Leu415Ser (NM_001377538.1, NM_001377539.1, NM_001377555.1); c.1142T>C, p.Leu381Ser (NM_001377549.1, NM_001377923.1, NM_007159.5); c.1237+6350T>C (NM_001377545.1, NM_001377922.1); c.1186+6785T>C (NM_001377552.1, NM_001377551.1, NM_001377924.1); c.1135+6926T>C (NM_001377559.1, NM_001377557.1, NM_001377925.1 and 1 more transcripts); short protein forms L415S, L381S, L398S.
Identifiers: ClinVar variation 3445714 (VCV003445714.1).
Genomic context (GRCh38, chr3:57,871,642, plus strand): 5'-GTTTTCAAAGACAGCAACAAACTATATCCTTAAAGGTGTTTCTTTCTTTATTAGAGCACT[T>C]GCTTTCAAAGAGTGGCGGGGACTGCACTTTTATTCATCAATTCATAGAATGCCAGAGTGA-3'
Protein context (NP_001364469.1, residues 405-425): KINGSTEKEH[Leu415Ser]LSKSGGDCTF